The following is an entry in ClinVar:

NM_002202.3(ISL1):c.419G>A (p.Ser140Asn)

Gene: ISL1 (ISL LIM homeobox 1; plus strand). Cytogenetic location: 5q11.1.
Variant type: single nucleotide variant.
Coding change: c.419G>A on transcript NM_002202.3 (MANE Select); coding-DNA position 419, G replaced by A.
Protein change: p.Ser140Asn; replaces serine 140 with asparagine.
Molecular consequence: missense variant.
Genome position (GRCh38, 1-based): chr5:51,387,690, G>A. VCF-style: chr5-51387690-G-A. GRCh37 (hg19) VCF-style: chr5-50683524-G-A.
Other names: short protein forms S140N.
Identifiers: ClinVar variation 3356906 (VCV003356906.1).

ClinVar aggregate classification (germline): Uncertain significance (0 of 4 stars; one submission).

Conditions:
ISL1-related disorder. Also called: ISL1-related condition.

Submission:

PreventionGenetics, part of Exact Sciences
Classification: Uncertain significance for ISL1-related condition. Last evaluated: 2024-03-11. Review status: no assertion criteria provided. Collection method: clinical testing. Allele origin: germline.
Comment: The ISL1 c.419G>A variant is predicted to result in the amino acid substitution p.Ser140Asn. To our knowledge, this variant has not been reported in the literature. This variant is reported in 0.014% of alleles in individuals of Latino descent in gnomAD. At this time, the clinical significance of this variant is uncertain due to the absence of conclusive functional and genetic evidence.